The following is an entry in ClinVar:

NM_001040142.2(SCN2A):c.1671+49A>G

Gene: SCN2A (sodium voltage-gated channel alpha subunit 2; plus strand). Cytogenetic location: 2q24.3.
Variant type: single nucleotide variant.
Coding change: c.1671+49A>G on transcript NM_001040142.2 (MANE Select); 49 bases into the intron after coding-DNA position 1671, A replaced by G.
Molecular consequence: intron variant.
Genome position (GRCh38, 1-based): chr2:165,315,807, A>G. VCF-style: chr2-165315807-A-G. GRCh37 (hg19) VCF-style: chr2-166172317-A-G.
Other names: c.1671+49A>G (NM_001040143.2, NM_001371246.1, NM_001371247.1 and 1 more transcripts).
Identifiers: ClinVar variation 1290972 (VCV001290972.7), dbSNP rs1838846, ClinGen allele CA1939856.

ClinVar aggregate classification (germline): Benign. Review status: criteria provided, multiple submitters, no conflicts (2 of 4 stars). 6 submissions from 4 submitters: Benign (6). Last evaluated 2024-07-15.

Conditions:
Episodic ataxia, type 9. Identifiers: MedGen C5394520, MONDO:0030064, OMIM 618924.
Developmental and epileptic encephalopathy, 11 (DEE11). Also called: Early infantile epileptic encephalopathy 11. Identifiers: Orphanet 1934, MedGen C3150987, MONDO:0013388, OMIM 613721.
Seizures, benign familial infantile, 3 (BFIS3). Also called: CONVULSIONS, BENIGN FAMILIAL INFANTILE, 3; Familial neonatal seizures. Identifiers: Orphanet 140927, Orphanet 306, MedGen C1843140, MONDO:0011904, OMIM 607745.

Allele frequency attached by ClinVar (database versions not stated): 1000 Genomes Project 0.77196; 1000 Genomes Project 30x 0.77701; ExAC 0.80144; gnomAD exomes 0.80385 and 0.82456; gnomAD 0.81599 and 0.82025; TOPMed 0.82028; ESP Exome Variant Server 0.84059.
gnomAD v4.1: 1,306,999 of 1,587,940 alleles (82%); highest among the groups gnomAD compares: Non-Finnish European, 84%; 539,913 homozygotes.

Submissions (6):

Unidad de Genómica Garrahan, Hospital de Pediatría Garrahan
Classification: Benign. Last evaluated: 2024-07-15. Review status: criteria provided, single submitter. Criteria: ACMG Guidelines, 2015. Collection method: clinical testing. Allele origin: germline. Affected: no. Observed: 85 variant alleles.
Comment: This variant is classified as Benign based on local population frequency. This variant was detected in 91% of patients studied in a panel designed for Epileptic and Developmental Encephalopathy and Progressive Myoclonus Epilepsy. Number of patients: 85. Only high quality variants are reported.

Genome-Nilou Lab
Classification: Benign for Developmental and epileptic encephalopathy, 11. Last evaluated: 2021-07-15. Review status: criteria provided, single submitter. Criteria: ACMG Guidelines, 2015. Collection method: clinical testing. Allele origin: germline. Affected: no.

Genome-Nilou Lab
Classification: Benign for Episodic ataxia, type 9. Last evaluated: 2021-07-15. Review status: criteria provided, single submitter. Criteria: ACMG Guidelines, 2015. Collection method: clinical testing. Allele origin: germline. Affected: no.

Genome-Nilou Lab
Classification: Benign for Seizures, benign familial infantile, 3. Last evaluated: 2021-07-15. Review status: criteria provided, single submitter. Criteria: ACMG Guidelines, 2015. Collection method: clinical testing. Allele origin: germline. Affected: no.

GeneDx
Classification: Benign. Last evaluated: 2018-06-25. Review status: criteria provided, single submitter. Criteria: GeneDx Variant Classification Process June 2021. Collection method: clinical testing. Allele origin: germline. Affected: yes.

Breakthrough Genomics
Classification: Benign. Review status: criteria provided, single submitter. Criteria: ACMG Guidelines, 2015. Collection method: not provided. Allele origin: germline. Inheritance: Autosomal dominant inheritance. Affected: yes.